The following is an entry in ClinVar:

ClinVar aggregate classification (germline): Pathogenic (1 of 4 stars; one submission).

Conditions:
Inborn genetic diseases. Identifiers: MedGen C0950123, MeSH D030342.

Submission:

Ambry Genetics
Classification: Pathogenic for Inborn genetic diseases. Last evaluated: 2020-05-18. Review status: criteria provided, single submitter. Criteria: Ambry Variant Classification Scheme 2023. Collection method: clinical testing. Allele origin: germline.
Comment: The c.788_792delACGTGinsCCCTTCTGCCCAC pathogenic mutation, located in coding exon 4 of the EPM2A gene, results from the deletion of 5 nucleotides and insertion of 13 nucleotides causing a translational frameshift with a predicted alternate stop codon (p.Y263Sfs*25). This mutation was identified in a cohort of individuals with Lafora disease; however, phenotype and genotype information was limited (Ianzano L et al. Hum. Mutat. 2004 Feb;23(2):170-6). In addition to the clinical data presented in the literature, this alteration is expected to result in loss of function by premature protein truncation or nonsense-mediated mRNA decay. As such, this alteration is interpreted as a disease-causing mutation.

Literature cited by the submitters: PubMed 14722920.

NM_005670.4(EPM2A):c.788_792delinsCCCTTCTGCCCAC (p.Tyr263fs)

Gene: EPM2A (EPM2A glucan phosphatase, laforin; minus strand). Cytogenetic location: 6q24.3.
Variant type: Indel.
Coding change: c.788_792delinsCCCTTCTGCCCAC on transcript NM_005670.4 (MANE Select); coding-DNA positions 788 to 792, ACGTG replaced by CCCTTCTGCCCAC.
Protein change: p.Tyr263fs; shifts the reading frame from tyrosine 263.
Molecular consequence: frameshift variant. On other transcripts: non-coding transcript variant (1).
Genome position (GRCh38, 1-based): chr6:145,627,620-145,627,624, CACGT replaced by GTGGGCAGAAGGG on the plus strand (ACGTG replaced by CCCTTCTGCCCAC on the coding strand, the reverse complement: EPM2A is on the minus strand). VCF-style: chr6-145627620-CACGT-GTGGGCAGAAGGG. GRCh37 (hg19) VCF-style: chr6-145948756-CACGT-GTGGGCAGAAGGG.
Other names: c.788_792delinsCCCTTCTGCCCAC, p.Tyr263fs (NM_001018041.2); c.546_550delinsCCCTTCTGCCCAC, p.Arg183fs (NM_001360057.2); c.374_378delinsCCCTTCTGCCCAC, p.Tyr125fs (NM_001360064.2, NM_001360071.2, NM_001368131.1); c.326_330delinsCCCTTCTGCCCAC, p.Tyr109fs (NM_001368129.2, NM_001368132.1); short protein forms R183fs, Y125fs, Y109fs, Y263fs.
Identifiers: ClinVar variation 1761009 (VCV001761009.2), dbSNP rs2533595059, ClinGen allele CA2580075176.